The following is an entry in ClinVar:

ClinVar aggregate classification (germline): Likely benign. Review status: criteria provided, multiple submitters, no conflicts (2 of 4 stars). 2 submissions from 2 submitters: Likely benign (2). Last evaluated 2025-03-25.

Conditions:
KIF22-related disorder. Also called: KIF22-related condition.

gnomAD v4.1: 113 of 1,611,504 alleles (0.007%); highest among the groups gnomAD compares: Non-Finnish European, 0.0087%; no homozygotes.

Submissions (2):

PreventionGenetics, part of Exact Sciences
Classification: Likely benign for KIF22-related condition. Last evaluated: 2025-03-25. Review status: criteria provided, single submitter. Criteria: ACMG Guidelines, 2015. Collection method: clinical testing. Allele origin: germline.
Comment: This variant is classified as likely benign based on ACMG/AMP sequence variant interpretation guidelines (Richards et al. 2015 PMID: 25741868, with internal and published modifications).

Blueprint Genetics
Classification: Likely benign. Last evaluated: 2022-07-11. Review status: criteria provided, single submitter. Criteria: ACMG Guidelines, 2015. Collection method: clinical testing. Allele origin: germline.

NM_007317.3(KIF22):c.759+9G>A

Gene: KIF22 (kinesin family member 22; plus strand). Cytogenetic location: 16p11.2.
Variant type: single nucleotide variant.
Coding change: c.759+9G>A on transcript NM_007317.3 (MANE Select); 9 bases into the intron after coding-DNA position 759, G replaced by A.
Molecular consequence: intron variant.
Genome position (GRCh38, 1-based): chr16:29,799,193, G>A. VCF-style: chr16-29799193-G-A. GRCh37 (hg19) VCF-style: chr16-29810514-G-A.
Other names: c.759+9G>A (NM_007317.2); c.555+9G>A (NM_001256269.2, NM_001256270.1).
Identifiers: ClinVar variation 4929302 (VCV004929302.2).